The following is an entry in ClinVar:

NM_024747.6(HPS6):c.2231G>T (p.Gly744Val)

Gene: HPS6 (HPS6 biogenesis of lysosomal organelles complex 2 subunit 3; plus strand). Cytogenetic location: 10q24.32.
Variant type: single nucleotide variant.
Coding change: c.2231G>T on transcript NM_024747.6 (MANE Select); coding-DNA position 2231, G replaced by T.
Protein change: p.Gly744Val; replaces glycine 744 with valine.
Molecular consequence: missense variant.
Genome position (GRCh38, 1-based): chr10:102,067,705, G>T. VCF-style: chr10-102067705-G-T. GRCh37 (hg19) VCF-style: chr10-103827462-G-T.
Other names: short protein forms G744V.
Identifiers: ClinVar variation 298561 (VCV000298561.9), dbSNP rs770148492, ClinGen allele CA5660138.
Genomic context (GRCh38, chr10:102,067,705, plus strand): 5'-AGCCTGGAGCAGAGCCCCCTCTCACTGTGGGCTTGCTCAAAGCCCTGCTGGAGCAGACTG[G>T]GGCTCAAGGATGGCTGTCGGGCCCAGTTCTAAGCCCATATGAGGACATCCTATGGGACCC-3'
Protein context (NP_079023.2, residues 734-754): GLLKALLEQT[Gly744Val]AQGWLSGPVL

ClinVar aggregate classification (germline): Uncertain significance. Review status: criteria provided, multiple submitters, no conflicts (2 of 4 stars). 3 submissions from 3 submitters: Uncertain significance (3). Last evaluated 2026-01-11.

Conditions:
Inborn genetic diseases. Identifiers: MedGen C0950123, MeSH D030342.
Hermansky-Pudlak syndrome 6 (HPS6). Identifiers: Orphanet 231512, Orphanet 79430, MedGen C3888007, MONDO:0013558, OMIM 614075.

Allele frequency attached by ClinVar (database versions not stated): gnomAD exomes 0.00004 and 0.00020; gnomAD 0.00005; TOPMed 0.00007; ExAC 0.00016.

Submissions (3):

Labcorp Genetics (formerly Invitae), Labcorp
Classification: Uncertain significance. Last evaluated: 2026-01-11. Review status: criteria provided, single submitter. Criteria: Invitae Variant Classification Sherloc (09022015). Collection method: clinical testing. Allele origin: germline.
Comment: This sequence change replaces glycine, which is neutral and non-polar, with valine, which is neutral and non-polar, at codon 744 of the HPS6 protein (p.Gly744Val). This variant is present in population databases (rs770148492, gnomAD 0.2%). This variant has not been reported in the literature in individuals affected with HPS6-related conditions. ClinVar contains an entry for this variant (Variation ID: 298561). Invitae Evidence Modeling of protein sequence and biophysical properties (such as structural, functional, and spatial information, amino acid conservation, physicochemical variation, residue mobility, and thermodynamic stability) indicates that this missense variant is not expected to disrupt HPS6 protein function with a negative predictive value of 80%. In summary, the available evidence is currently insufficient to determine the role of this variant in disease. Therefore, it has been classified as a Variant of Uncertain Significance.

Ambry Genetics
Classification: Uncertain significance for Inborn genetic diseases. Last evaluated: 2022-07-05. Review status: criteria provided, single submitter. Criteria: Ambry Variant Classification Scheme 2023. Collection method: clinical testing. Allele origin: germline.

Illumina Laboratory Services, Illumina
Classification: Uncertain significance for Hermansky-Pudlak syndrome 6. Last evaluated: 2018-01-13. Review status: criteria provided, single submitter. Criteria: ICSL Variant Classification Criteria 13 December 2019. Collection method: clinical testing. Allele origin: germline.